The following is an entry in ClinVar:

NM_080680.3(COL11A2):c.3706C>T (p.Arg1236Cys)

Gene: COL11A2 (collagen type XI alpha 2 chain; minus strand). Cytogenetic location: 6p21.32.
Variant type: single nucleotide variant.
Coding change: c.3706C>T on transcript NM_080680.3 (MANE Select); coding-DNA position 3706, C replaced by T.
Protein change: p.Arg1236Cys; replaces arginine 1236 with cysteine.
Molecular consequence: missense variant.
Genome position (GRCh38, 1-based): chr6:33,169,475, G>A on the plus strand (C>T on the coding strand, the complement: COL11A2 is on the minus strand). VCF-style: chr6-33169475-G-A. GRCh37 (hg19) VCF-style: chr6-33137252-G-A.
Other names: c.3385C>T, p.Arg1129Cys (NM_080679.3); c.3448C>T, p.Arg1150Cys (NM_080681.3); short protein forms R1150C, R1129C, R1236C.
Identifiers: ClinVar variation 907893 (VCV000907893.17), dbSNP rs751612997, ClinGen allele CA3750390.

ClinVar aggregate classification (germline): Conflicting classifications of pathogenicity. Review status: criteria provided, conflicting classifications (1 of 4 stars). 8 submissions from 6 submitters: Uncertain significance (6); Benign (1); Likely benign (1). Last evaluated 2026-04-03.

Conditions:
COL11A2-related disorder. Also called: COL11A2-related condition; COL11A2-related disorders.
Fibrochondrogenesis 2 (FBCG2). Identifiers: Orphanet 2021, MedGen C3281128, MONDO:0013795, OMIM 614524.
Otospondylomegaepiphyseal dysplasia, autosomal recessive (OSMEDB). Also called: Insley-Astley syndrome; CHONDRODYSTROPHY WITH SENSORINEURAL DEAFNESS. Identifiers: Orphanet 1427, MedGen CN034493, MONDO:0044206, OMIM 215150.
Otospondylomegaepiphyseal dysplasia, autosomal dominant (OSMEDA). Also called: Pierre Robin syndrome with fetal chondrodysplasia; Stickler syndrome, type 3; COL11A2-Related Stickler Syndrome. Identifiers: Orphanet 166100, Orphanet 3450, MedGen C1848488, MONDO:0008490, OMIM 184840.
Down syndrome (DS). Also called: T21. Identifiers: Orphanet 870, MedGen C0013080, MONDO:0008608, OMIM 190685. Disease mechanism: Meiosis non dynjunction. Inheritance: Chromosomal.

Allele frequency attached by ClinVar (database versions not stated): gnomAD 0.00002; TOPMed 0.00002; ExAC 0.00003; gnomAD exomes 0.00003 and 0.00004.
gnomAD v4.1: 54 of 1,612,706 alleles (0.0033%); highest among the groups gnomAD compares: Middle Eastern, 0.033%; no homozygotes.

Submissions (8):

GeneDx
Classification: Uncertain significance. Last evaluated: 2026-04-03. Review status: criteria provided, single submitter. Criteria: GeneDx Variant Classification Process June 2021. Collection method: clinical testing. Allele origin: germline.
Comment: Reported in multiple individuals belonging to a single family with familial short stature in published literature (PMID: 33570564); In silico analysis supports that this missense variant has a deleterious effect on protein structure/function; This variant is associated with the following publications: (PMID: 33570564)

Labcorp Genetics (formerly Invitae), Labcorp
Classification: Likely benign. Last evaluated: 2025-10-06. Review status: criteria provided, single submitter. Criteria: Invitae Variant Classification Sherloc (09022015). Collection method: clinical testing. Allele origin: germline.

PreventionGenetics, part of Exact Sciences
Classification: Uncertain significance for COL11A2-related condition. Last evaluated: 2024-12-05. Review status: criteria provided, single submitter. Criteria: ACMG Guidelines, 2015. Collection method: clinical testing. Allele origin: germline.
Comment: The COL11A2 c.3706C>T variant is predicted to result in the amino acid substitution p.Arg1236Cys. This variant was reported in the heterozygous state in an individual with short stature, but no additional data was provided to support its pathogenicity (Plachy et al. 2021. PubMed ID: 33570564). This variant is reported in 0.0099% of alleles in individuals of South Asian descent in gnomAD. At this time, the clinical significance of this variant is uncertain due to the absence of conclusive functional and genetic evidence.

Blueprint Genetics
Classification: Uncertain significance. Last evaluated: 2024-01-18. Review status: criteria provided, single submitter. Criteria: ACMG Guidelines, 2015. Collection method: clinical testing. Allele origin: germline.

Department of Otolaryngology – Head & Neck Surgery, Cochlear Implant Center
Classification: Uncertain significance for Down syndrome. Last evaluated: 2021-04-12. Review status: criteria provided, single submitter. Criteria: ClinGen HL ACMG Specifications v1. Collection method: clinical testing. Allele origin: germline. Affected: yes.
Comment: PM2_Moderate

Illumina Laboratory Services, Illumina
Classification: Uncertain significance for Otospondylomegaepiphyseal dysplasia, autosomal dominant. Last evaluated: 2018-01-12. Review status: criteria provided, single submitter. Criteria: ICSL Variant Classification Criteria 13 December 2019. Collection method: clinical testing. Allele origin: germline.

Illumina Laboratory Services, Illumina
Classification: Benign for Otospondylomegaepiphyseal dysplasia, autosomal recessive. Last evaluated: 2018-01-12. Review status: criteria provided, single submitter. Criteria: ICSL Variant Classification Criteria 13 December 2019. Collection method: clinical testing. Allele origin: germline.
Comment: This variant was observed in the ICSL laboratory as part of a predisposition screen in an ostensibly healthy population. It had not been previously curated by ICSL or reported in the Human Gene Mutation Database (HGMD: prior to June 1st, 2018), and was therefore a candidate for classification through an automated scoring system. Utilizing variant allele frequency, disease prevalence and penetrance estimates, and inheritance mode, an automated score was calculated to assess if this variant is too frequent to cause the disease. Based on the score and internal cut-off values, a variant classified as benign is not then subjected to further curation. The score for this variant resulted in a classification of benign for this disease.

Illumina Laboratory Services, Illumina
Classification: Uncertain significance for Fibrochondrogenesis 2. Last evaluated: 2018-01-12. Review status: criteria provided, single submitter. Criteria: ICSL Variant Classification Criteria 13 December 2019. Collection method: clinical testing. Allele origin: germline.